The following is an entry in ClinVar:

ClinVar aggregate classification (germline): Uncertain significance (1 of 4 stars; one submission).

Submission:

Labcorp Genetics (formerly Invitae), Labcorp
Classification: Uncertain significance. Last evaluated: 2024-01-07. Review status: criteria provided, single submitter. Criteria: Invitae Variant Classification Sherloc (09022015). Collection method: clinical testing. Allele origin: germline.
Comment: This variant, c.859_861del, results in the deletion of 1 amino acid(s) of the DNAAF4 protein (p.Glu287del), but otherwise preserves the integrity of the reading frame. This variant is present in population databases (rs773482119, gnomAD 0.01%). This variant has not been reported in the literature in individuals affected with DNAAF4-related conditions. Experimental studies and prediction algorithms are not available or were not evaluated, and the functional significance of this variant is currently unknown. In summary, the available evidence is currently insufficient to determine the role of this variant in disease. Therefore, it has been classified as a Variant of Uncertain Significance.

NM_130810.4(DNAAF4):c.853GAA[2] (p.Glu287del)

Genes: DNAAF4 (dynein axonemal assembly factor 4; minus strand), DNAAF4-CCPG1 (DNAAF4-CCPG1 readthrough (NMD candidate); minus strand). Cytogenetic location: 15q21.3.
Variant type: Microsatellite.
Coding change: c.853GAA[2] on transcript NM_130810.4 (MANE Select); two copies in a row of the 3-base unit GAA starting at c.853; the reference has three copies in a row; one copy, 3 bases deleted.
Protein change: p.Glu287del; deletes glutamic acid 287.
Molecular consequence: inframe deletion. On other transcripts: non-coding transcript variant (1).
Genome position (GRCh38, 1-based): chr15:55,439,504-55,439,506, TTC deleted on the plus strand (GAA on the coding strand, the reverse complement: DNAAF4 is on the minus strand); deleting any 3 consecutive bases within chr15:55,439,504-55,439,514 gives the same sequence; the position shown is the placement nearest the transcript's 3' end. VCF-style (leftmost placement, unchanged base first): chr15-55439503-TTTC-T. GRCh37 (hg19) VCF-style: chr15-55731701-TTTC-T.
Other names: c.853GAA[2], p.Glu287del (NM_001033559.3, NM_001033560.2); short protein forms E287del.
Identifiers: ClinVar variation 1062748 (VCV001062748.8), dbSNP rs773482119, ClinGen allele CA7574905.